The following is an entry in ClinVar:

ClinVar aggregate classification (germline): Likely benign. Review status: criteria provided, single submitter (1 of 4 stars). 2 submissions from 2 submitters: Likely benign (1). 1 of the submissions does not count toward it. Last evaluated 2023-11-17.

Conditions:
TSC2-related disorder. Also called: TSC2-Related Disorders; TSC2-related condition.
Tuberous sclerosis 2 (TSC2). Identifiers: Orphanet 805, MedGen C1860707, MONDO:0013199, OMIM 613254.

Allele frequency attached by ClinVar (database versions not stated): gnomAD exomes below 0.00001; ExAC 0.00001.
gnomAD v4.1: 2 of 1,613,044 alleles (0.00012%); highest among the groups gnomAD compares: Non-Finnish European, 0.00017%; no homozygotes.

Submissions (2):

Labcorp Genetics (formerly Invitae), Labcorp
Classification: Likely benign for Tuberous sclerosis 2. Last evaluated: 2023-11-17. Review status: criteria provided, single submitter. Criteria: Invitae Variant Classification Sherloc (09022015). Collection method: clinical testing. Allele origin: germline.

PreventionGenetics, part of Exact Sciences
Classification: Likely benign for TSC2-related condition. Last evaluated: 2022-12-30. Review status: no assertion criteria provided. Collection method: clinical testing. Allele origin: germline. Not counted in ClinVar's aggregate classification.
Comment: This variant is classified as likely benign based on ACMG/AMP sequence variant interpretation guidelines (Richards et al. 2015 PMID: 25741868, with internal and published modifications).

NM_000548.5(TSC2):c.5160+18C>T

Gene: TSC2 (TSC complex subunit 2; plus strand). Cytogenetic location: 16p13.3.
Variant type: single nucleotide variant.
Coding change: c.5160+18C>T on transcript NM_000548.5 (MANE Select); 18 bases into the intron after coding-DNA position 5160, C replaced by T.
Molecular consequence: intron variant.
Genome position (GRCh38, 1-based): chr16:2,088,157, C>T. VCF-style: chr16-2088157-C-T. GRCh37 (hg19) VCF-style: chr16-2138158-C-T.
Other names: c.5160+18C>T (NM_000548.4); c.3618+18C>T (NM_001406693.1, NM_001406692.1, NM_001406694.1); c.5052+18C>T (NM_001406667.1); c.5049+18C>T (NM_001406668.1); c.4560+18C>T (NM_001406680.1); c.4491+18C>T (NM_001406683.1, NM_001406682.1); c.4359+18C>T (NM_001406687.1, NM_001406688.1); c.3747+18C>T (NM_001406689.1); and 27 more.
Identifiers: ClinVar variation 2957156 (VCV002957156.5), dbSNP rs755447030, ClinGen allele CA054104.
Genomic context (GRCh38, chr16:2,088,157, plus strand): 5'-CAACCTGCCCTTCGTGGCCCGCCAGATGGCCCTGCACGCAAATGTGAGTGGGGGTGGGTC[C>T]AGGCGTGAGCTGGTGGGACAGGCCCAGGTGCCACCTGATAGTGAGCTCACCCCCTGCCTA-3'